The following is an entry in ClinVar:

NM_005188.4(CBL):c.1499T>C (p.Leu500Pro)

Gene: CBL (Cbl proto-oncogene; plus strand). Cytogenetic location: 11q23.3.
Variant type: single nucleotide variant.
Coding change: c.1499T>C on transcript NM_005188.4 (MANE Select); coding-DNA position 1499, T replaced by C.
Protein change: p.Leu500Pro; replaces leucine 500 with proline.
Molecular consequence: missense variant.
Genome position (GRCh38, 1-based): chr11:119,285,036, T>C. VCF-style: chr11-119285036-T-C. GRCh37 (hg19) VCF-style: chr11-119155746-T-C.
Other names: c.1499T>C (NM_005188.2); short protein forms L500P.
Identifiers: ClinVar variation 2142259 (VCV002142259.5), dbSNP rs1018342862, ClinGen allele CA229641890.

ClinVar aggregate classification (germline): Uncertain significance. Review status: criteria provided, multiple submitters, no conflicts (2 of 4 stars). 2 submissions from 2 submitters: Uncertain significance (2). Last evaluated 2025-10-26.

Conditions:
RASopathy. Also called: rasopathies; Noonan spectrum disorder. Identifiers: Orphanet 536391, MedGen C5555857, MONDO:0021060.
Cardiovascular phenotype. Identifiers: MedGen CN230736.

Allele frequency attached by ClinVar (database versions not stated): gnomAD 0.00001; gnomAD exomes 0.00001; TOPMed 0.00002.

Submissions (2):

Ambry Genetics
Classification: Uncertain significance for Cardiovascular phenotype. Last evaluated: 2025-10-26. Review status: criteria provided, single submitter. Criteria: Ambry Variant Classification Scheme 2023. Collection method: clinical testing. Allele origin: germline.
Comment: The p.L500P variant (also known as c.1499T>C), located in coding exon 10 of the CBL gene, results from a T to C substitution at nucleotide position 1499. The leucine at codon 500 is replaced by proline, an amino acid with similar properties. This amino acid position is conserved. In addition, the in silico prediction for this alteration is inconclusive. Based on the available evidence, the clinical significance of this variant remains unclear.

Labcorp Genetics (formerly Invitae), Labcorp
Classification: Uncertain significance for RASopathy. Last evaluated: 2022-04-01. Review status: criteria provided, single submitter. Criteria: Invitae Variant Classification Sherloc (09022015). Collection method: clinical testing. Allele origin: germline.
Comment: This sequence change replaces leucine, which is neutral and non-polar, with proline, which is neutral and non-polar, at codon 500 of the CBL protein (p.Leu500Pro). In summary, the available evidence is currently insufficient to determine the role of this variant in disease. Therefore, it has been classified as a Variant of Uncertain Significance. Advanced modeling of protein sequence and biophysical properties (such as structural, functional, and spatial information, amino acid conservation, physicochemical variation, residue mobility, and thermodynamic stability) performed at Invitae indicates that this missense variant is not expected to disrupt CBL protein function. This variant has not been reported in the literature in individuals affected with CBL-related conditions. This variant is present in population databases (no rsID available, gnomAD 0.0009%).